The following is an entry in ClinVar:

ClinVar aggregate classification (germline): Uncertain significance. Review status: criteria provided, multiple submitters, no conflicts (2 of 4 stars). 2 submissions from 2 submitters: Uncertain significance (2). Last evaluated 2025-06-07.

Conditions:
Melanoma, cutaneous malignant, susceptibility to, 8. Also called: Cutaneous malignant melanoma 8; MELANOMA AND RENAL CELL CARCINOMA, SUSCEPTIBILITY TO. Identifiers: Orphanet 293822, MedGen C3152204, MONDO:0013759, OMIM 614456.
Tietz syndrome (TADS). Also called: HYPOPIGMENTATION/DEAFNESS OF TIETZ; ALBINISM-DEAFNESS OF TIETZ; TIETZ ALBINISM-DEAFNESS SYNDROME. Identifiers: Orphanet 42665, MedGen C0391816, MONDO:0007077, OMIM 103500.
Waardenburg syndrome type 2A (WS2A). Also called: WAARDENBURG SYNDROME WITHOUT DYSTOPIA CANTHORUM. Identifiers: Orphanet 3440, MedGen C1860339, MONDO:0008671, OMIM 193510.
Hereditary cancer-predisposing syndrome. Also called: Neoplastic Syndromes, Hereditary; Tumor predisposition; Hereditary neoplastic syndrome; Hereditary Cancer Syndrome. Identifiers: Orphanet 140162, MedGen C0027672, MeSH D009386, MONDO:0015356.

Submissions (2):

Ambry Genetics
Classification: Uncertain significance for Hereditary cancer-predisposing syndrome. Last evaluated: 2025-06-07. Review status: criteria provided, single submitter. Criteria: Ambry Variant Classification Scheme 2023. Collection method: clinical testing. Allele origin: germline.
Comment: The p.H9L variant (also known as c.26A>T), located in coding exon 1 of the MITF gene, results from an A to T substitution at nucleotide position 26. The histidine at codon 9 is replaced by leucine, an amino acid with similar properties. This amino acid position is conserved. In addition, this alteration is predicted to be tolerated by in silico analysis. Based on the available evidence, the clinical significance of this variant remains unclear.

Labcorp Genetics (formerly Invitae), Labcorp
Classification: Uncertain significance for Melanoma, cutaneous malignant, susceptibility to, 8; Waardenburg syndrome type 2A; Tietz syndrome. Last evaluated: 2022-10-24. Review status: criteria provided, single submitter. Criteria: Invitae Variant Classification Sherloc (09022015). Collection method: clinical testing. Allele origin: germline.
Comment: In summary, the available evidence is currently insufficient to determine the role of this variant in disease. Therefore, it has been classified as a Variant of Uncertain Significance. Algorithms developed to predict the effect of missense changes on protein structure and function (SIFT, PolyPhen-2, Align-GVGD) all suggest that this variant is likely to be tolerated. This variant has not been reported in the literature in individuals affected with MITF-related conditions. This variant is not present in population databases (gnomAD no frequency). This sequence change replaces histidine, which is basic and polar, with leucine, which is neutral and non-polar, at codon 9 of the MITF protein (p.His9Leu).

NM_000248.4(MITF):c.26A>T (p.His9Leu)

Gene: MITF (melanocyte inducing transcription factor; plus strand). Cytogenetic location: 3p13.
Variant type: single nucleotide variant.
Coding change: c.26A>T on transcript NM_000248.4 (MANE Plus Clinical); coding-DNA position 26, A replaced by T.
Protein change: p.His9Leu; replaces histidine 9 with leucine.
Molecular consequence: missense variant. On other transcripts: intron variant (9).
Genome position (GRCh38, 1-based): chr3:69,936,748, A>T. VCF-style: chr3-69936748-A-T. GRCh37 (hg19) VCF-style: chr3-69985899-A-T.
Other names: c.26A>T, p.His9Leu (NM_001184968.2, NM_198158.3, NM_198178.3); c.304-1074A>T (NM_001354607.2); c.199-1074A>T (NM_001354608.2, NM_001184967.2); c.355-1074A>T (NM_001354604.2, NM_198159.3); c.352-1074A>T (NM_001354605.2, NM_001354606.2, NM_006722.3); c.307-1074A>T (NM_198177.3); short protein forms H9L.
Identifiers: ClinVar variation 1722020 (VCV001722020.6), dbSNP rs2471579579, ClinGen allele CA353560212.